The following is an entry in ClinVar:

ClinVar aggregate classification (germline): Pathogenic (1 of 4 stars; one submission).

Conditions:
Hereditary cancer-predisposing syndrome. Also called: Neoplastic Syndromes, Hereditary; Tumor predisposition; Hereditary neoplastic syndrome; Hereditary Cancer Syndrome. Identifiers: Orphanet 140162, MedGen C0027672, MeSH D009386, MONDO:0015356.
Cardiovascular phenotype. Identifiers: MedGen CN230736.

Submission:

Ambry Genetics
Classification: Pathogenic for Cardiovascular phenotype; Hereditary cancer-predisposing syndrome. Last evaluated: 2024-01-19. Review status: criteria provided, single submitter. Criteria: Ambry Variant Classification Scheme 2023. Collection method: clinical testing. Allele origin: germline.
Comment: The c.702_711del10insATA pathogenic mutation, located in coding exon 7 of the NF1 gene, results from the deletion of 10 nucleotides and insertion of 3 nucleotides causing a translational frameshift with a predicted alternate stop codon (p.Q236Hfs*43). This variant is considered to be rare based on population cohorts in the Genome Aggregation Database (gnomAD). This alteration is expected to result in loss of function by premature protein truncation or nonsense-mediated mRNA decay. As such, this alteration is interpreted as a disease-causing mutation.

NM_001042492.3(NF1):c.702_711delinsATA (p.Gln236fs)

Gene: NF1 (neurofibromin 1; plus strand). Cytogenetic location: 17q11.2.
Variant type: Indel.
Coding change: c.702_711delinsATA on transcript NM_001042492.3 (MANE Select); coding-DNA positions 702 to 711, GTACCAGATC replaced by ATA.
Protein change: p.Gln236fs; shifts the reading frame from glutamine 236.
Molecular consequence: frameshift variant.
Genome position (GRCh38, 1-based): chr17:31,181,757-31,181,766, GTACCAGATC replaced by ATA. VCF-style: chr17-31181757-GTACCAGATC-ATA. GRCh37 (hg19) VCF-style: chr17-29508775-GTACCAGATC-ATA.
Other names: c.702_711del10insATA (NM_000267.3); c.702_711delGTACCAGATCinsATA, p.Gln236Hisfs (NM_000267.4); c.702_711delinsATA, p.Gln236fs (NM_001128147.3); short protein forms Q236fs.
Identifiers: ClinVar variation 3237913 (VCV003237913.1), dbSNP rs2544749971.